The following is an entry in ClinVar:

ClinVar aggregate classification (germline): Uncertain significance. Review status: criteria provided, multiple submitters, no conflicts (2 of 4 stars). 2 submissions from 2 submitters: Uncertain significance (2). Last evaluated 2025-02-06.

Conditions:
Inborn genetic diseases. Identifiers: MedGen C0950123, MeSH D030342.

Submissions (2):

Ambry Genetics
Classification: Uncertain significance for Inborn genetic diseases. Last evaluated: 2025-02-06. Review status: criteria provided, single submitter. Criteria: Ambry Variant Classification Scheme 2023. Collection method: clinical testing. Allele origin: germline.
Comment: The p.A919T variant (also known as c.2755G>A), located in coding exon 1 of the SAMD9L gene, results from a G to A substitution at nucleotide position 2755. The alanine at codon 919 is replaced by threonine, an amino acid with similar properties. This amino acid position is conserved. In addition, this alteration is predicted to be tolerated by in silico analysis. Based on the available evidence, the clinical significance of this variant remains unclear.

Labcorp Genetics (formerly Invitae), Labcorp
Classification: Uncertain significance. Last evaluated: 2024-09-09. Review status: criteria provided, single submitter. Criteria: Invitae Variant Classification Sherloc (09022015). Collection method: clinical testing. Allele origin: germline.
Comment: This sequence change replaces alanine, which is neutral and non-polar, with threonine, which is neutral and polar, at codon 919 of the SAMD9L protein (p.Ala919Thr). This variant is not present in population databases (gnomAD no frequency). This variant has not been reported in the literature in individuals affected with SAMD9L-related conditions. Invitae Evidence Modeling of protein sequence and biophysical properties (such as structural, functional, and spatial information, amino acid conservation, physicochemical variation, residue mobility, and thermodynamic stability) indicates that this missense variant is not expected to disrupt SAMD9L protein function with a negative predictive value of 80%. In summary, the available evidence is currently insufficient to determine the role of this variant in disease. Therefore, it has been classified as a Variant of Uncertain Significance.

NM_152703.5(SAMD9L):c.2755G>A (p.Ala919Thr)

Gene: SAMD9L (sterile alpha motif domain containing 9 like; minus strand). Cytogenetic location: 7q21.2.
Variant type: single nucleotide variant.
Coding change: c.2755G>A on transcript NM_152703.5 (MANE Select); coding-DNA position 2755, G replaced by A.
Protein change: p.Ala919Thr; replaces alanine 919 with threonine.
Molecular consequence: missense variant.
Genome position (GRCh38, 1-based): chr7:93,133,217, C>T on the plus strand (G>A on the coding strand, the complement: SAMD9L is on the minus strand). VCF-style: chr7-93133217-C-T. GRCh37 (hg19) VCF-style: chr7-92762530-C-T.
Other names: c.2755G>A, p.Ala919Thr (NM_001303496.3, NM_001303497.3, NM_001303498.3 and 5 more transcripts); c.2755G>A (NM_152703.2); short protein forms A919T.
Identifiers: ClinVar variation 3691710 (VCV003691710.3).